The following is an entry in ClinVar:

ClinVar aggregate classification (germline): Uncertain significance (1 of 4 stars; one submission).

Submission:

Ambry Genetics
Classification: Uncertain significance. Last evaluated: 2024-03-14. Review status: criteria provided, single submitter. Criteria: Ambry Variant Classification Scheme 2023. Collection method: clinical testing. Allele origin: germline.
Comment: The p.S599C variant (also known as c.1796C>G), located in coding exon 13 of the NPAT gene, results from a C to G substitution at nucleotide position 1796. The serine at codon 599 is replaced by cysteine, an amino acid with dissimilar properties. This amino acid position is conserved. In addition, this alteration is predicted to be tolerated by in silico analysis. Based on the available evidence, the clinical significance of this alteration remains unclear.

NM_002519.3(NPAT):c.1796C>G (p.Ser599Cys)

Gene: NPAT (nuclear protein, coactivator of histone transcription; minus strand). Cytogenetic location: 11q22.3.
Variant type: single nucleotide variant.
Coding change: c.1796C>G on transcript NM_002519.3 (MANE Select); coding-DNA position 1796, C replaced by G.
Protein change: p.Ser599Cys; replaces serine 599 with cysteine.
Molecular consequence: missense variant.
Genome position (GRCh38, 1-based): chr11:108,173,188, G>C on the plus strand (C>G on the coding strand, the complement: NPAT is on the minus strand). VCF-style: chr11-108173188-G-C. GRCh37 (hg19) VCF-style: chr11-108043915-G-C.
Other names: c.1796C>G, p.Ser599Cys (NM_001321307.1); short protein forms S599C.
Identifiers: ClinVar variation 3222490 (VCV003222490.1), dbSNP rs373052311, ClinGen allele CA382514332.
Genomic context (GRCh38, chr11:108,173,188, plus strand): 5'-CCAGATACATTTAAATGTGAACTTTCAACAGACACAGGTAGTATTTCACTTTGAAGACAA[G>C]AATTATCTTGGCAATTTGATAGCTGTGACATAACTGGTTCTAACACATTAATTTCTATTT-3'
Protein context (NP_002510.2, residues 589-609): MSQLSNCQDN[Ser599Cys]CLQSEILPVS